The following is an entry in ClinVar:

ClinVar aggregate classification (germline): Uncertain significance (1 of 4 stars; one submission).

Submission:

Ambry Genetics
Classification: Uncertain significance. Last evaluated: 2022-03-28. Review status: criteria provided, single submitter. Criteria: Ambry Variant Classification Scheme 2023. Collection method: clinical testing. Allele origin: germline.
Comment: The p.G2697V variant (also known as c.8090G>T), located in coding exon 59 of the PRKDC gene, results from a G to T substitution at nucleotide position 8090. The glycine at codon 2697 is replaced by valine, an amino acid with dissimilar properties. This amino acid position is conserved. Since supporting evidence is limited at this time, the clinical significance of this alteration remains unclear.

NM_006904.7(PRKDC):c.8090G>T (p.Gly2697Val)

Gene: PRKDC (protein kinase, DNA-activated, catalytic subunit; minus strand). Cytogenetic location: 8q11.21.
Variant type: single nucleotide variant.
Coding change: c.8090G>T on transcript NM_006904.7 (MANE Select); coding-DNA position 8090, G replaced by T.
Protein change: p.Gly2697Val; replaces glycine 2697 with valine.
Molecular consequence: missense variant.
Genome position (GRCh38, 1-based): chr8:47,834,258, C>A on the plus strand (G>T on the coding strand, the complement: PRKDC is on the minus strand). VCF-style: chr8-47834258-C-A. GRCh37 (hg19) VCF-style: chr8-48746819-C-A.
Other names: c.8090G>T, p.Gly2697Val (NM_001081640.2); short protein forms G2697V.
Identifiers: ClinVar variation 1761954 (VCV001761954.2), dbSNP rs2551867065, ClinGen allele CA371149403.